The following is an entry in ClinVar:

NM_024642.5(GALNT12):c.1071A>G (p.Pro357=)

Gene: GALNT12 (polypeptide N-acetylgalactosaminyltransferase 12; plus strand). Cytogenetic location: 9q22.33.
Variant type: single nucleotide variant.
Coding change: c.1071A>G on transcript NM_024642.5 (MANE Select); coding-DNA position 1071, A replaced by G.
Protein change: p.Pro357=; no amino-acid change (proline 357 retained).
Molecular consequence: synonymous variant.
Genome position (GRCh38, 1-based): chr9:98,837,007, A>G. VCF-style: chr9-98837007-A-G. GRCh37 (hg19) VCF-style: chr9-101599289-A-G.
Identifiers: ClinVar variation 1783470 (VCV001783470.3), dbSNP rs759247819, ClinGen allele CA196827495.
Genomic context (GRCh38, chr9:98,837,007, plus strand): 5'-GGCCTCTCCTTTTCTCTGTGTGCAGATCTGGCAGTGTGGTGGGGTTCTGGAAACACACCC[A>G]TGTTCCCATGTTGGCCATGTTTTCCCCAAGCAAGCTCCCTACTCCCGCAACAAGGCTCTG-3'
Protein context (NP_078918.3, residues 347-367): WQCGGVLETH[Pro357=]CSHVGHVFPK

ClinVar aggregate classification (germline): Benign/Likely benign. Review status: criteria provided, multiple submitters, no conflicts (2 of 4 stars). 2 submissions from 2 submitters: Benign (1); Likely benign (1). Last evaluated 2026-04-24.

Conditions:
Colorectal cancer, susceptibility to, 1. Also called: COLORECTAL ADENOMA AND CANCER, SUSCEPTIBILITY TO; COLORECTAL CANCER, SUSCEPTIBILITY TO, ON CHROMOSOME 9. Identifiers: MedGen C1837315, MONDO:0012132, OMIM 608812.

Allele frequency attached by ClinVar (database versions not stated): gnomAD exomes 0.00001.

Submissions (2):

Myriad Genetics, Inc.
Classification: Benign for Colorectal cancer, susceptibility to, 1. Last evaluated: 2026-04-24. Review status: criteria provided, single submitter. Criteria: Myriad Autosomal Dominant, Autosomal Recessive and X-Linked Classification Criteria (2023). Collection method: clinical testing. Allele origin: unknown.
Comment: This variant is considered benign. This variant is a silent/synonymous amino acid change and it is not expected to impact splicing.

Ambry Genetics
Classification: Likely benign. Last evaluated: 2022-09-26. Review status: criteria provided, single submitter. Criteria: Ambry Variant Classification Scheme 2023. Collection method: clinical testing. Allele origin: germline.